The following is an entry in ClinVar:

NM_001270974.2(HYDIN):c.738T>G (p.Ala246=)

Gene: HYDIN (HYDIN axonemal central pair apparatus protein; minus strand). Cytogenetic location: 16q22.2.
Variant type: single nucleotide variant.
Coding change: c.738T>G on transcript NM_001270974.2 (MANE Select); coding-DNA position 738, T replaced by G.
Protein change: p.Ala246=; no amino-acid change (alanine 246 retained).
Molecular consequence: synonymous variant.
Genome position (GRCh38, 1-based): chr16:71,152,762, A>C on the plus strand (T>G on the coding strand, the complement: HYDIN is on the minus strand). VCF-style: chr16-71152762-A-C. GRCh37 (hg19) VCF-style: chr16-71186665-A-C.
Other names: c.819T>G, p.Ala273= (NM_001198542.1); c.789T>G, p.Ala263= (NM_001198543.1); c.738T>G, p.Ala246= (NM_017558.5).
Identifiers: ClinVar variation 4872464 (VCV004872464.2).
Genomic context (GRCh38, chr16:71,152,762, plus strand): 5'-ACTCTGTGGCTCAAACTCCACTTCCAGTTGCATGGACTCTCCCACATTAAGAGTTCCAAT[A>C]GCTGGTTCTATAGAGAAAGGCCTGCAACACACAGAGAGGCACATCATCAGAGCATATTTC-3'
Protein context (NP_001257903.1, residues 236-256): KTCRPFSIEP[Ala246=]IGTLNVGESM

ClinVar aggregate classification (germline): Likely benign (1 of 4 stars; one submission).

Submission:

CeGaT Center for Human Genetics Tuebingen
Classification: Likely benign. Last evaluated: 2026-04-01. Review status: criteria provided, single submitter. Criteria: CeGaT Center For Human Genetics Tuebingen Variant Classification Criteria Version 2. Collection method: clinical testing. Allele origin: germline. Affected: yes. Observed: 1 variant allele.
Comment: HYDIN: PM2:Supporting, BP4, BP7